The following is an entry in ClinVar:

NM_001845.6(COL4A1):c.2200C>T (p.Pro734Ser)

Gene: COL4A1 (collagen type IV alpha 1 chain; minus strand). Cytogenetic location: 13q34.
Variant type: single nucleotide variant.
Coding change: c.2200C>T on transcript NM_001845.6 (MANE Select); coding-DNA position 2200, C replaced by T.
Protein change: p.Pro734Ser; replaces proline 734 with serine.
Molecular consequence: missense variant.
Genome position (GRCh38, 1-based): chr13:110,179,415, G>A on the plus strand (C>T on the coding strand, the complement: COL4A1 is on the minus strand). VCF-style: chr13-110179415-G-A. GRCh37 (hg19) VCF-style: chr13-110831762-G-A.
Other names: short protein forms P734S.
Identifiers: ClinVar variation 2103867 (VCV002103867.4), dbSNP rs1376094894, ClinGen allele CA388668804.

ClinVar aggregate classification (germline): Uncertain significance (1 of 4 stars; one submission).

Submission:

Labcorp Genetics (formerly Invitae), Labcorp
Classification: Uncertain significance. Last evaluated: 2022-02-27. Review status: criteria provided, single submitter. Criteria: Invitae Variant Classification Sherloc (09022015). Collection method: clinical testing. Allele origin: germline.
Comment: This sequence change replaces proline, which is neutral and non-polar, with serine, which is neutral and polar, at codon 734 of the COL4A1 protein (p.Pro734Ser). This variant is not present in population databases (gnomAD no frequency). This variant has not been reported in the literature in individuals affected with COL4A1-related conditions. Advanced modeling of protein sequence and biophysical properties (such as structural, functional, and spatial information, amino acid conservation, physicochemical variation, residue mobility, and thermodynamic stability) performed at Invitae indicates that this missense variant is not expected to disrupt COL4A1 protein function. In summary, the available evidence is currently insufficient to determine the role of this variant in disease. Therefore, it has been classified as a Variant of Uncertain Significance.